The following is an entry in ClinVar:

ClinVar aggregate classification (germline): Conflicting classifications of pathogenicity. Review status: criteria provided, conflicting classifications (1 of 4 stars). 8 submissions from 7 submitters: Uncertain significance (7); Likely benign (1). Last evaluated 2026-01-21.

Conditions:
non-syndromic arrhythmogenic right ventricular cardiomyopathy.
Naxos disease (NXD). Also called: KERATOSIS PALMOPLANTARIS WITH ARRHYTHMOGENIC CARDIOMYOPATHY; MAL DE NAXOS; PALMOPLANTAR KERATODERMA WITH ARRHYTHMOGENIC RIGHT VENTRICULAR CARDIOMYOPATHY AND WOOLLY HAIR; WOOLLY HAIR, PALMOPLANTAR KERATODERMA, AND CARDIAC ABNORMALITIES; CARDIOMYOPATHY, ARRHYTHMOGENIC RIGHT VENTRICULAR, WITH SKIN, HAIR, AND NAIL ABNORMALITIES. Identifiers: Orphanet 34217, MedGen C1832600, MONDO:0011017, OMIM 601214.
Cardiovascular phenotype. Identifiers: MedGen CN230736.
Arrhythmogenic right ventricular dysplasia 12. Also called: ARRHYTHMOGENIC RIGHT VENTRICULAR DYSPLASIA, FAMILIAL, 12. Identifiers: MedGen C1969081, MONDO:0012684, OMIM 611528.

Allele frequency attached by ClinVar (database versions not stated): TOPMed 0.00005; gnomAD exomes 0.00006 and 0.00013; ESP Exome Variant Server 0.00015; gnomAD 0.00003 and 0.00004; ExAC 0.00005.
gnomAD v4.1: 201 of 1,613,168 alleles (0.012%); highest among the groups gnomAD compares: Non-Finnish European, 0.016%; no homozygotes.

Submissions (8):

Labcorp Genetics (formerly Invitae), Labcorp
Classification: Uncertain significance for Arrhythmogenic right ventricular dysplasia 12; Naxos disease. Last evaluated: 2026-01-21. Review status: criteria provided, single submitter. Criteria: Invitae Variant Classification Sherloc (09022015). Collection method: clinical testing. Allele origin: germline.
Comment: This sequence change replaces arginine, which is basic and polar, with cysteine, which is neutral and slightly polar, at codon 203 of the JUP protein (p.Arg203Cys). This variant is present in population databases (rs147354282, gnomAD 0.01%). This variant has not been reported in the literature in individuals affected with JUP-related conditions. ClinVar contains an entry for this variant (Variation ID: 239107). An algorithm developed to predict the effect of missense changes on protein structure and function (PolyPhen-2) suggests that this variant is likely to be disruptive. In summary, the available evidence is currently insufficient to determine the role of this variant in disease. Therefore, it has been classified as a Variant of Uncertain Significance.

Blueprint Genetics
Classification: Uncertain significance. Last evaluated: 2023-08-21. Review status: criteria provided, single submitter. Criteria: ACMG Guidelines, 2015. Collection method: clinical testing. Allele origin: germline.

Clinical Genomics Laboratory, Stanford Medicine
Classification: Uncertain significance for non-syndromic arrhythmogenic right ventricular cardiomyopathy; Naxos disease. Last evaluated: 2023-07-07. Review status: criteria provided, single submitter. Criteria: ACMG Guidelines, 2015. Collection method: clinical testing. Allele origin: germline. Observed: 1 variant allele, 1 heterozygote.
Comment: The p.Arg203Cys variant in the JUP gene has been previously reported in a congenital heart disease cohort (Alankarage et al., 2019). This variant has been identified in 5/34,392 Latino/Admixed American chromosomes (16/247,774 chromosomes overall) by the Genome Aggregation Database. This variant is present in ClinVar (Variation ID: 239107). The arginine at position 203 is evolutionarily conserved. Computational tools predict that the p.Arg203Cys variant is deleterious; however, the accuracy of in silico algorithms is limited. These data were assessed using the ACMG/AMP variant interpretation guidelines. In summary, the significance of the p.Arg203Cys variant is uncertain. Additional information is needed to resolve the significance of this variant. [ACMG evidence codes used: PP3]

Ambry Genetics
Classification: Likely benign for Cardiovascular phenotype. Last evaluated: 2022-05-13. Review status: criteria provided, single submitter. Criteria: Ambry Variant Classification Scheme 2023. Collection method: clinical testing. Allele origin: germline.

Fulgent Genetics
Classification: Uncertain significance for Naxos disease; Arrhythmogenic right ventricular dysplasia 12. Last evaluated: 2021-10-18. Review status: criteria provided, single submitter. Criteria: ACMG Guidelines, 2015. Collection method: clinical testing. Allele origin: unknown.

Women's Health and Genetics/Laboratory Corporation of America, LabCorp
Classification: Uncertain significance. Last evaluated: 2018-06-11. Review status: criteria provided, single submitter. Criteria: LabCorp Variant Classification Summary - May 2015. Collection method: clinical testing. Allele origin: germline.
Comment: Variant summary: JUP c.607C>T (p.Arg203Cys) results in a non-conservative amino acid change located in one of the Armadillo repeats (IPR000225) of the encoded protein sequence. Four of five in-silico tools predict a damaging effect of the variant on protein function. The variant allele was found at a frequency of 6.2e-05 in 273732 control chromosomes (in gnomAD). The observed variant frequency is approximately 6.2 fold of the estimated maximal expected allele frequency for a pathogenic variant in JUP causing Arrhythmia phenotype (1e-05), suggesting that the variant is benign. To our knowledge, no occurrence of c.607C>T in individuals affected with Arrhythmia and no experimental evidence demonstrating its impact on protein function have been reported. One clinical diagnostic laboratory has submitted clinical-significance assessments for this variant to ClinVar after 2014 without evidence for independent evaluation, and classified the variant as uncertain significance. Based on the evidence outlined above, the variant was classified as VUS-possibly benign.

Illumina Laboratory Services, Illumina
Classification: Uncertain significance for Naxos disease. Last evaluated: 2017-04-27. Review status: criteria provided, single submitter. Criteria: ICSL Variant Classification Criteria 13 December 2019. Collection method: clinical testing. Allele origin: germline.

Illumina Laboratory Services, Illumina
Classification: Uncertain significance for Arrhythmogenic right ventricular dysplasia 12. Last evaluated: 2017-04-27. Review status: criteria provided, single submitter. Criteria: ICSL Variant Classification Criteria 13 December 2019. Collection method: clinical testing. Allele origin: germline.

NM_002230.4(JUP):c.607C>T (p.Arg203Cys)

Gene: JUP (junction plakoglobin; minus strand). Cytogenetic location: 17q21.2.
Variant type: single nucleotide variant.
Coding change: c.607C>T on transcript NM_002230.4 (MANE Select); coding-DNA position 607, C replaced by T.
Protein change: p.Arg203Cys; replaces arginine 203 with cysteine.
Molecular consequence: missense variant.
Genome position (GRCh38, 1-based): chr17:41,769,069, G>A on the plus strand (C>T on the coding strand, the complement: JUP is on the minus strand). VCF-style: chr17-41769069-G-A. GRCh37 (hg19) VCF-style: chr17-39925321-G-A.
Other names: c.607C>T, p.Arg203Cys (NM_001352773.2, NM_001352774.2, NM_001352775.2 and 3 more transcripts); short protein forms R203C.
Identifiers: ClinVar variation 239107 (VCV000239107.17), dbSNP rs147354282, ClinGen allele CA8565432.